The following is an entry in ClinVar:

NM_016219.5(MAN1B1):c.526G>A (p.Asp176Asn)

Gene: MAN1B1 (mannosidase alpha class 1B member 1; plus strand). Cytogenetic location: 9q34.3.
Variant type: single nucleotide variant.
Coding change: c.526G>A on transcript NM_016219.5 (MANE Select); coding-DNA position 526, G replaced by A.
Protein change: p.Asp176Asn; replaces aspartic acid 176 with asparagine.
Molecular consequence: missense variant. On other transcripts: non-coding transcript variant (2).
Genome position (GRCh38, 1-based): chr9:137,096,297, G>A. VCF-style: chr9-137096297-G-A. GRCh37 (hg19) VCF-style: chr9-139990749-G-A.
Other names: c.418G>A, p.Asp140Asn (NM_007230.1); short protein forms D140N, D176N.
Identifiers: ClinVar variation 2062058 (VCV002062058.4), dbSNP rs1171478076, ClinGen allele CA375642204.

ClinVar aggregate classification (germline): Uncertain significance (1 of 4 stars; one submission).

Conditions:
Rafiq syndrome (RAFQS). Identifiers: Orphanet 88616, MedGen C3280127, MONDO:0013624, OMIM 614202.

gnomAD v4.1: 6 of 1,614,138 alleles (0.00037%); highest among the groups gnomAD compares: Admixed American, 0.01%; no homozygotes.

Submission:

Labcorp Genetics (formerly Invitae), Labcorp
Classification: Uncertain significance for Rafiq syndrome. Last evaluated: 2023-10-13. Review status: criteria provided, single submitter. Criteria: Invitae Variant Classification Sherloc (09022015). Collection method: clinical testing. Allele origin: germline.
Comment: This sequence change replaces aspartic acid, which is acidic and polar, with asparagine, which is neutral and polar, at codon 176 of the MAN1B1 protein (p.Asp176Asn). This variant is not present in population databases (gnomAD no frequency). This variant has not been reported in the literature in individuals affected with MAN1B1-related conditions. ClinVar contains an entry for this variant (Variation ID: 2062058). An algorithm developed to predict the effect of missense changes on protein structure and function (PolyPhen-2) suggests that this variant is likely to be tolerated. In summary, the available evidence is currently insufficient to determine the role of this variant in disease. Therefore, it has been classified as a Variant of Uncertain Significance.